The following is an entry in ClinVar:

NM_005529.7(HSPG2):c.9852T>C (p.Ala3284=)

Gene: HSPG2 (heparan sulfate proteoglycan 2; minus strand). Cytogenetic location: 1p36.12.
Variant type: single nucleotide variant.
Coding change: c.9852T>C on transcript NM_005529.7 (MANE Select); coding-DNA position 9852, T replaced by C.
Protein change: p.Ala3284=; no amino-acid change (alanine 3284 retained).
Molecular consequence: synonymous variant.
Genome position (GRCh38, 1-based): chr1:21,839,408, A>G on the plus strand (T>C on the coding strand, the complement: HSPG2 is on the minus strand). VCF-style: chr1-21839408-A-G. GRCh37 (hg19) VCF-style: chr1-22165901-A-G.
Other names: c.9855T>C, p.Ala3285= (NM_001291860.2).
Identifiers: ClinVar variation 295750 (VCV000295750.34), dbSNP rs2291826, ClinGen allele CA670318.

ClinVar aggregate classification (germline): Benign. Review status: criteria provided, multiple submitters, no conflicts (2 of 4 stars). 10 submissions from 8 submitters: Benign (10). Last evaluated 2026-02-04.

Conditions:
Schwartz-Jampel syndrome. Also called: Myotonic myopathy dwarfism chondrodystrophy and ocular and facial abnormalities. Identifiers: Orphanet 800, MedGen C0036391, MONDO:0009717.
Lethal Kniest-like syndrome (DDSH). Also called: Dyssegmental Dysplasia. Identifiers: Orphanet 1865, MedGen C1857100, MONDO:0009140, OMIM 224410.

Allele frequency attached by ClinVar (database versions not stated): gnomAD exomes 0.27620 and 0.27740; ExAC 0.28757; gnomAD 0.33614 and 0.33918; TOPMed 0.33740; 1000 Genomes Project 0.34605; ESP Exome Variant Server 0.34992; 1000 Genomes Project 30x 0.35322.
gnomAD v4.1: 456,927 of 1,613,396 alleles (28%); highest among the groups gnomAD compares: African/African-American, 54%; 68,899 homozygotes.

Submissions (10):

Labcorp Genetics (formerly Invitae), Labcorp
Classification: Benign. Last evaluated: 2026-02-04. Review status: criteria provided, single submitter. Criteria: Invitae Variant Classification Sherloc (09022015). Collection method: clinical testing. Allele origin: germline.

ARUP Laboratories, Molecular Genetics and Genomics, ARUP Laboratories
Classification: Benign. Last evaluated: 2025-07-22. Review status: criteria provided, single submitter. Criteria: ARUP Molecular Germline Variant Investigation Process 2024. Collection method: clinical testing. Allele origin: germline.

Blueprint Genetics
Classification: Benign. Last evaluated: 2024-11-26. Review status: criteria provided, single submitter. Criteria: ACMG Guidelines, 2015. Collection method: clinical testing. Allele origin: germline.

Genome-Nilou Lab
Classification: Benign for Lethal Kniest-like syndrome. Last evaluated: 2021-08-10. Review status: criteria provided, single submitter. Criteria: ACMG Guidelines, 2015. Collection method: clinical testing. Allele origin: germline. Affected: no.

Genome-Nilou Lab
Classification: Benign for Schwartz-Jampel syndrome type 1. Last evaluated: 2021-08-10. Review status: criteria provided, single submitter. Criteria: ACMG Guidelines, 2015. Collection method: clinical testing. Allele origin: germline. Affected: no.

Athena Diagnostics
Classification: Benign. Last evaluated: 2019-02-08. Review status: criteria provided, single submitter. Criteria: Athena Diagnostics Criteria. Collection method: clinical testing. Allele origin: germline.

GeneDx
Classification: Benign. Last evaluated: 2018-08-19. Review status: criteria provided, single submitter. Criteria: GeneDx Variant Classification Process June 2021. Collection method: clinical testing. Allele origin: germline. Affected: yes.

Illumina Laboratory Services, Illumina
Classification: Benign for Lethal Kniest-like syndrome. Last evaluated: 2018-01-13. Review status: criteria provided, single submitter. Criteria: ICSL Variant Classification Criteria 13 December 2019. Collection method: clinical testing. Allele origin: germline.
Comment: This variant was observed in the ICSL laboratory as part of a predisposition screen in an ostensibly healthy population. It had not been previously curated by ICSL or reported in the Human Gene Mutation Database (HGMD: prior to June 1st, 2018), and was therefore a candidate for classification through an automated scoring system. Utilizing variant allele frequency, disease prevalence and penetrance estimates, and inheritance mode, an automated score was calculated to assess if this variant is too frequent to cause the disease. Based on the score and internal cut-off values, a variant classified as benign is not then subjected to further curation. The score for this variant resulted in a classification of benign for this disease.

Illumina Laboratory Services, Illumina
Classification: Benign for Schwartz-Jampel syndrome type 1. Last evaluated: 2018-01-13. Review status: criteria provided, single submitter. Criteria: ICSL Variant Classification Criteria 13 December 2019. Collection method: clinical testing. Allele origin: germline.
Comment: the same text as in the submission from Illumina Laboratory Services, Illumina above.

Breakthrough Genomics
Classification: Benign. Review status: criteria provided, single submitter. Criteria: ACMG Guidelines, 2015. Collection method: not provided. Allele origin: germline. Inheritance: Autosomal recessive inheritance. Affected: yes.